The following is an entry in ClinVar:

NM_001374259.2(IL12RB2):c.1506C>T (p.Leu502=)

Gene: IL12RB2 (interleukin 12 receptor subunit beta 2; plus strand). Cytogenetic location: 1p31.3.
Variant type: single nucleotide variant.
Coding change: c.1506C>T on transcript NM_001374259.2 (MANE Select); coding-DNA position 1506, C replaced by T.
Protein change: p.Leu502=; no amino-acid change (leucine 502 retained).
Molecular consequence: synonymous variant. On other transcripts: non-coding transcript variant (2), intron variant (1).
Genome position (GRCh38, 1-based): chr1:67,372,482, C>T. VCF-style: chr1-67372482-C-T. GRCh37 (hg19) VCF-style: chr1-67838165-C-T.
Other names: c.1506C>T, p.Leu502= (NM_001258214.1, NM_001258216.1, NM_001319233.1 and 1 more transcripts); c.1459+4457C>T (NM_001258215.1).
Identifiers: ClinVar variation 4692133 (VCV004692133.1).

ClinVar aggregate classification (germline): Uncertain significance (1 of 4 stars; one submission).

gnomAD v4.1: 13 of 1,605,264 alleles (0.00081%); highest among the groups gnomAD compares: Non-Finnish European, 0.0011%; no homozygotes.

Submission:

Labcorp Genetics (formerly Invitae), Labcorp
Classification: Uncertain significance. Last evaluated: 2025-10-14. Review status: criteria provided, single submitter. Criteria: Invitae Variant Classification Sherloc (09022015). Collection method: clinical testing. Allele origin: germline.
Comment: This sequence change affects codon 502 of the IL12RB2 mRNA. It is a 'silent' change, meaning that it does not change the encoded amino acid sequence of the IL12RB2 protein. This variant is present in population databases (rs762071783, gnomAD 0.002%). This variant has not been reported in the literature in individuals affected with IL12RB2-related conditions. Algorithms developed to predict the effect of sequence changes on RNA splicing suggest that this variant may disrupt the consensus splice site. In summary, the available evidence is currently insufficient to determine the role of this variant in disease. Therefore, it has been classified as a Variant of Uncertain Significance.